The following is an entry in ClinVar:

NM_003242.6(TGFBR2):c.78_79delinsAA (p.His27Asn)

Gene: TGFBR2 (transforming growth factor beta receptor 2; plus strand). Cytogenetic location: 3p24.1.
Variant type: Indel.
Coding change: c.78_79delinsAA on transcript NM_003242.6 (MANE Select); coding-DNA positions 78 to 79, GC replaced by AA.
Protein change: p.His27Asn; replaces histidine 27 with asparagine.
Molecular consequence: missense variant.
Genome position (GRCh38, 1-based): chr3:30,606,961-30,606,962, GC replaced by AA. VCF-style: chr3-30606961-GC-AA. GRCh37 (hg19) VCF-style: chr3-30648453-GC-AA.
Other names: c.78_79delGCinsAA, p.His27Asn (NM_001024847.3, NM_001407126.1, NM_001407127.1 and 4 more transcripts); c.-206_-205delGCinsAA (NM_001407133.1); c.-84_-83delGCinsAA (NM_001407134.1); c.-131_-130delGCinsAA (NM_001407135.1); c.-216_-215delGCinsAA (NM_001407136.1); short protein forms H27N.
Identifiers: ClinVar variation 1447012 (VCV001447012.7), dbSNP rs2125438820, ClinGen allele CA2573136198.
Genomic context (GRCh38, chr3:30,606,961, plus strand): 5'-CAGGGGCCTGTGGCCGCTGCACATCGTCCTGTGGACGCGTATCGCCAGCACGATCCCACC[GC>AA]ACGTTCAGAAGTCGGGTGAGTGGTCCCCAGCCCGGGCTCGGCGGGGCGCCGGGGGTCTTC-3'
Protein context (NP_003233.4, residues 17-37): WTRIASTIPP[His27Asn]VQKSVNNDMI

ClinVar aggregate classification (germline): Uncertain significance (1 of 4 stars; one submission).

Conditions:
Familial thoracic aortic aneurysm and aortic dissection (TAAD). Also called: Thoracic aortic aneurysms and dissections. Identifiers: Orphanet 91387, MedGen C4707243, MONDO:0019625.

Submission:

Labcorp Genetics (formerly Invitae), Labcorp
Classification: Uncertain significance for Familial thoracic aortic aneurysm and aortic dissection. Last evaluated: 2022-07-05. Review status: criteria provided, single submitter. Criteria: Invitae Variant Classification Sherloc (09022015). Collection method: clinical testing. Allele origin: germline.
Comment: In summary, the available evidence is currently insufficient to determine the role of this variant in disease. Therefore, it has been classified as a Variant of Uncertain Significance. Experimental studies and prediction algorithms are not available or were not evaluated, and the functional significance of this variant is currently unknown. ClinVar contains an entry for this variant (Variation ID: 1447012). This variant has not been reported in the literature in individuals affected with TGFBR2-related conditions. Information on the frequency of this variant in the gnomAD database is not available, as this variant may be reported differently in the database. This sequence change replaces histidine with asparagine at codon 27 of the TGFBR2 protein (p.His27Asn). The histidine residue is weakly conserved and there is a small physicochemical difference between histidine and asparagine.